The following is an entry in ClinVar:

ClinVar aggregate classification (germline): Pathogenic (0 of 4 stars; one submission).

Conditions:
Autosomal recessive nonsyndromic hearing loss 3. Also called: NEUROSENSORY NONSYNDROMIC RECESSIVE DEAFNESS 3. Identifiers: Orphanet 90636, MedGen C1838263, MONDO:0010860, OMIM 600316.

Submission:

Laboratory of Prof. Karen Avraham, Tel Aviv University
Classification: Pathogenic for Autosomal recessive nonsyndromic hearing loss 3. Last evaluated: 2016-02-19. Review status: no assertion criteria provided. Collection method: research. Allele origin: germline. Affected: yes.
Comment: Congenital, profound HL

NSHL; recessive, DFNB3

NM_016239.3(MYO15A):c.[373_374delCG];[8183G>A]

Variant type: CompoundHeterozygote.
Identifiers: ClinVar variation 424811 (VCV000424811.2).